The following is an entry in ClinVar:

ClinVar aggregate classification (germline): Uncertain significance (1 of 4 stars; one submission).

Submission:

Labcorp Genetics (formerly Invitae), Labcorp
Classification: Uncertain significance. Last evaluated: 2023-01-17. Review status: criteria provided, single submitter. Criteria: Invitae Variant Classification Sherloc (09022015). Collection method: clinical testing. Allele origin: germline.
Comment: In summary, the available evidence is currently insufficient to determine the role of this variant in disease. Therefore, it has been classified as a Variant of Uncertain Significance. Advanced modeling of protein sequence and biophysical properties (such as structural, functional, and spatial information, amino acid conservation, physicochemical variation, residue mobility, and thermodynamic stability) has been performed at Invitae for this missense variant, however the output from this modeling did not meet the statistical confidence thresholds required to predict the impact of this variant on MTOR protein function. This variant has not been reported in the literature in individuals affected with MTOR-related conditions. This variant is not present in population databases (gnomAD no frequency). This sequence change replaces glutamic acid, which is acidic and polar, with valine, which is neutral and non-polar, at codon 2477 of the MTOR protein (p.Glu2477Val).

NM_004958.4(MTOR):c.7430A>T (p.Glu2477Val)

Gene: MTOR (mechanistic target of rapamycin kinase; minus strand). Cytogenetic location: 1p36.22.
Variant type: single nucleotide variant.
Coding change: c.7430A>T on transcript NM_004958.4 (MANE Select); coding-DNA position 7430, A replaced by T.
Protein change: p.Glu2477Val; replaces glutamic acid 2477 with valine.
Molecular consequence: missense variant.
Genome position (GRCh38, 1-based): chr1:11,109,666, T>A on the plus strand (A>T on the coding strand, the complement: MTOR is on the minus strand). VCF-style: chr1-11109666-T-A. GRCh37 (hg19) VCF-style: chr1-11169723-T-A.
Other names: c.7430A>T, p.Glu2477Val (NM_001386500.1); c.6182A>T, p.Glu2061Val (NM_001386501.1); short protein forms E2477V, E2061V.
Identifiers: ClinVar variation 2819536 (VCV002819536.3), dbSNP rs2522011330, ClinGen allele CA338378921.